The following is an entry in ClinVar:

NM_001004334.4(GPR179):c.5429C>A (p.Ala1810Asp)

Gene: GPR179 (G protein-coupled receptor 179; minus strand). Cytogenetic location: 17q12.
Variant type: single nucleotide variant.
Coding change: c.5429C>A on transcript NM_001004334.4 (MANE Select); coding-DNA position 5429, C replaced by A.
Protein change: p.Ala1810Asp; replaces alanine 1810 with aspartic acid.
Molecular consequence: missense variant.
Genome position (GRCh38, 1-based): chr17:38,328,140, G>T on the plus strand (C>A on the coding strand, the complement: GPR179 is on the minus strand). VCF-style: chr17-38328140-G-T. GRCh37 (hg19) VCF-style: chr17-36484023-G-T.
Other names: short protein forms A1810D.
Identifiers: ClinVar variation 2052858 (VCV002052858.4), dbSNP rs2512157571, ClinGen allele CA398871953.

ClinVar aggregate classification (germline): Uncertain significance (1 of 4 stars; one submission).

Submission:

Labcorp Genetics (formerly Invitae), Labcorp
Classification: Uncertain significance. Last evaluated: 2021-12-29. Review status: criteria provided, single submitter. Criteria: Invitae Variant Classification Sherloc (09022015). Collection method: clinical testing. Allele origin: germline.
Comment: Algorithms developed to predict the effect of missense changes on protein structure and function are either unavailable or do not agree on the potential impact of this missense change (SIFT: "Deleterious"; PolyPhen-2: "Benign"; Align-GVGD: "Class C0"). In summary, the available evidence is currently insufficient to determine the role of this variant in disease. Therefore, it has been classified as a Variant of Uncertain Significance. This variant has not been reported in the literature in individuals affected with GPR179-related conditions. This variant is not present in population databases (gnomAD no frequency). This sequence change replaces alanine, which is neutral and non-polar, with aspartic acid, which is acidic and polar, at codon 1810 of the GPR179 protein (p.Ala1810Asp).